The following is an entry in ClinVar:

ClinVar aggregate classification (germline): Conflicting classifications of pathogenicity. Review status: criteria provided, conflicting classifications (1 of 4 stars). 3 submissions from 3 submitters: Uncertain significance (1); Likely benign (2). Last evaluated 2026-01-03.

Conditions:
Retinitis pigmentosa 74 (RP74). Identifiers: Orphanet 791, MedGen C4225281, MONDO:0014692, OMIM 616562.
Bardet-Biedl syndrome 2 (BBS2). Identifiers: Orphanet 110, MedGen C2936863, MONDO:0014432, OMIM 615981.
BBS2-related disorder. Also called: BBS2-related condition; BBS2-related disorders. Identifiers: MedGen CN239228.
Bardet-Biedl syndrome (BBS). Identifiers: Orphanet 110, MedGen C0752166, MONDO:0015229.

Allele frequency attached by ClinVar (database versions not stated): TOPMed 0.00001; ESP Exome Variant Server 0.00008.
gnomAD v4.1: 14 of 1,614,054 alleles (0.00087%); highest among the groups gnomAD compares: East Asian, 0.0022%; no homozygotes.

Submissions (3):

Labcorp Genetics (formerly Invitae), Labcorp
Classification: Likely benign for Bardet-Biedl syndrome. Last evaluated: 2026-01-03. Review status: criteria provided, single submitter. Criteria: Invitae Variant Classification Sherloc (09022015). Collection method: clinical testing. Allele origin: germline.

PreventionGenetics, part of Exact Sciences
Classification: Likely benign for BBS2-related condition. Last evaluated: 2025-06-25. Review status: criteria provided, single submitter. Criteria: ACMG Guidelines, 2015. Collection method: clinical testing. Allele origin: germline.
Comment: This variant is classified as likely benign based on ACMG/AMP sequence variant interpretation guidelines (Richards et al. 2015 PMID: 25741868, with internal and published modifications).

Fulgent Genetics
Classification: Uncertain significance for Bardet-Biedl syndrome 2; Retinitis pigmentosa 74. Last evaluated: 2024-01-28. Review status: criteria provided, single submitter. Criteria: ACMG Guidelines, 2015. Collection method: clinical testing. Allele origin: germline.

NM_031885.5(BBS2):c.243C>T (p.Gly81=)

Gene: BBS2 (Bardet-Biedl syndrome 2; minus strand). Cytogenetic location: 16q13.
Variant type: single nucleotide variant.
Coding change: c.243C>T on transcript NM_031885.5 (MANE Select); coding-DNA position 243, C replaced by T.
Protein change: p.Gly81=; no amino-acid change (glycine 81 retained).
Molecular consequence: synonymous variant. On other transcripts: non-coding transcript variant (5).
Genome position (GRCh38, 1-based): chr16:56,514,555, G>A on the plus strand (C>T on the coding strand, the complement: BBS2 is on the minus strand). VCF-style: chr16-56514555-G-A. GRCh37 (hg19) VCF-style: chr16-56548467-G-A.
Other names: c.243C>T, p.Gly81= (NM_001377456.1); c.243C>T (NM_031885.3).
Identifiers: ClinVar variation 2042172 (VCV002042172.6), dbSNP rs368760651, ClinGen allele CA8066091.